The following is an entry in ClinVar:

NM_000153.4(GALC):c.331G>A (p.Gly111Ser)

Gene: GALC (galactosylceramidase; minus strand). Cytogenetic location: 14q31.3.
Variant type: single nucleotide variant.
Coding change: c.331G>A on transcript NM_000153.4 (MANE Select); coding-DNA position 331, G replaced by A.
Protein change: p.Gly111Ser; replaces glycine 111 with serine.
Molecular consequence: missense variant.
Genome position (GRCh38, 1-based): chr14:87,986,600, C>T on the plus strand (G>A on the coding strand, the complement: GALC is on the minus strand). VCF-style: chr14-87986600-C-T. GRCh37 (hg19) VCF-style: chr14-88452944-C-T.
Other names: c.262G>A, p.Gly88Ser (NM_001201401.2); c.253G>A, p.Gly85Ser (NM_001201402.2); short protein forms G111S, G85S, G88S.
Identifiers: ClinVar variation 211058 (VCV000211058.22), dbSNP rs756690487, ClinGen allele CA277469.

ClinVar aggregate classification (germline): Pathogenic/Likely pathogenic. Review status: criteria provided, multiple submitters, no conflicts (2 of 4 stars). 6 submissions from 6 submitters: Pathogenic (2); Likely pathogenic (2). 2 of the submissions do not count toward it. Last evaluated 2024-11-04.

Conditions:
GALC-related disorder. Also called: GALC-related condition.
Galactosylceramide beta-galactosidase deficiency. Also called: GALACTOCEREBROSIDASE DEFICIENCY; GALC DEFICIENCY; GLOBOID CELL LEUKOENCEPHALOPATHY; Leukodystrophy, Globoid Cell; Krabbe Disease. Identifiers: Orphanet 487, MedGen C0023521, MONDO:0009499, OMIM 245200.

Allele frequency attached by ClinVar (database versions not stated): gnomAD exomes below 0.00001 and 0.00001; gnomAD 0.00001; ExAC 0.00002; TOPMed 0.00002.
gnomAD v4.1: 5 of 1,604,548 alleles (0.00031%); highest among the groups gnomAD compares: Admixed American, 0.005%; no homozygotes.

Submissions (6):

Labcorp Genetics (formerly Invitae), Labcorp
Classification: Pathogenic for Galactosylceramide beta-galactosidase deficiency. Last evaluated: 2024-11-04. Review status: criteria provided, single submitter. Criteria: Invitae Variant Classification Sherloc (09022015). Collection method: clinical testing. Allele origin: germline.
Comment: This sequence change replaces glycine, which is neutral and non-polar, with serine, which is neutral and polar, at codon 111 of the GALC protein (p.Gly111Ser). This variant is present in population databases (rs756690487, gnomAD 0.006%). This missense change has been observed in individual(s) with Krabbe disease (PMID: 8940268, 9005874). In at least one individual the data is consistent with being in trans (on the opposite chromosome) from a pathogenic variant. It has also been observed to segregate with disease in related individuals. This variant is also known as c.283G>A (p.Gly95Ser). ClinVar contains an entry for this variant (Variation ID: 211058). An algorithm developed to predict the effect of missense changes on protein structure and function (PolyPhen-2) suggests that this variant is likely to be disruptive. Experimental studies have shown that this missense change affects GALC function (PMID: 27638593). For these reasons, this variant has been classified as Pathogenic.

Fulgent Genetics
Classification: Likely pathogenic for Galactosylceramide beta-galactosidase deficiency. Last evaluated: 2024-02-03. Review status: criteria provided, single submitter. Criteria: ACMG Guidelines, 2015. Collection method: clinical testing. Allele origin: germline.

Clinical Genetics and Genomics, Karolinska University Hospital
Classification: Likely pathogenic. Last evaluated: 2018-10-31. Review status: criteria provided, single submitter. Criteria: ACMG Guidelines, 2015. Collection method: clinical testing. Allele origin: germline. Affected: yes. Observed: 3 variant alleles.

Genetic Services Laboratory, University of Chicago
Classification: Pathogenic for Krabbe disease. Last evaluated: 2015-05-27. Review status: criteria provided, single submitter. Criteria: ACMG Guidelines, 2015. Collection method: clinical testing. Allele origin: germline. Affected: yes.

PreventionGenetics, part of Exact Sciences
Classification: Likely pathogenic for GALC-related condition. Last evaluated: 2024-08-24. Review status: no assertion criteria provided. Collection method: clinical testing. Allele origin: germline. Not counted in ClinVar's aggregate classification.
Comment: The GALC c.331G>A variant is predicted to result in the amino acid substitution p.Gly111Ser. This variant, also referred to as c.283G>A (p.Gly95Ser) in the literature, has been reported in individual with Krabbe disease or related phenotypes (Sun M et al 2018. PubMed ID: 29915382). In at least two families it was shown to be in compound heterozygosity with a second disease-causing allele (De Gasperi et al 1996. PubMed ID: 8940268). In vitro functional studies indicated that this variant strongly reduces GALC enzyme activity (Saavedra-Matiz CA et al 2016. PubMed ID: 27638593). This variant is reported in 0.0058% of alleles in individuals of Latino descent in gnomAD. This variant is interpreted as likely pathogenic.

Natera, Inc.
Classification: Likely pathogenic for Galactosylceramide beta-galactosidase deficiency. Last evaluated: 2020-07-16. Review status: no assertion criteria provided. Collection method: clinical testing. Allele origin: germline. Not counted in ClinVar's aggregate classification.

Literature cited by the submitters: PubMed 8940268 (cited by Labcorp Genetics (formerly Invitae), Labcorp); PubMed 9005874 (cited by Labcorp Genetics (formerly Invitae), Labcorp); PubMed 27638593 (cited by Labcorp Genetics (formerly Invitae), Labcorp).